The following is an entry in ClinVar:

NM_000207.3(INS):c.136C>T (p.Arg46Ter)

Genes: INS (insulin; minus strand), INS-IGF2 (INS-IGF2 readthrough; minus strand). Cytogenetic location: 11p15.5.
Variant type: single nucleotide variant.
Coding change: c.136C>T on transcript NM_000207.3 (MANE Select); coding-DNA position 136, C replaced by T.
Protein change: p.Arg46Ter; replaces arginine 46 with a stop codon.
Molecular consequence: nonsense. On other transcripts: non-coding transcript variant (1).
Genome position (GRCh38, 1-based): chr11:2,160,836, G>A on the plus strand (C>T on the coding strand, the complement: INS is on the minus strand). VCF-style: chr11-2160836-G-A. GRCh37 (hg19) VCF-style: chr11-2182066-G-A.
Other names: c.136C>T, p.Arg46Ter (NM_001185097.2, NM_001185098.2, NM_001291897.2 and 1 more transcripts); short protein forms R46*.
Identifiers: ClinVar variation 2630345 (VCV002630345.1), dbSNP rs1225892123, ClinGen allele CA379121559.
Genomic context (GRCh38, chr11:2,160,836, plus strand): 5'-TTGGCTCACCCTGCAGGTCCTCTGCCTCCCGGCGGGTCTTGGGTGTGTAGAAGAAGCCTC[G>A]TTCCCCGCACACTAGGTAGAGAGCTTCCACCAGGTGTGAGCCGCACAGGTGTTGGTTCAC-3'

ClinVar aggregate classification (germline): Likely pathogenic (1 of 4 stars; one submission).

Conditions:
INS-related disorder. Also called: INS-related condition.

Allele frequency attached by ClinVar (database versions not stated): gnomAD exomes below 0.00001.

Submission:

PreventionGenetics, part of Exact Sciences
Classification: Likely pathogenic for INS-related condition. Last evaluated: 2023-02-13. Review status: criteria provided, single submitter. Criteria: ACMG Guidelines, 2015. Collection method: clinical testing. Allele origin: germline.
Comment: The INS c.136C>T variant is predicted to result in premature protein termination (p.Arg46*). This variant was reported in an individual with type 2 diabetes (Table S5, Goodrich et al. 2021. PubMed ID: 34108472). This variant was also documented in two unrelated individuals with early-onset diabetes (Yang et al. 2021. PubMed ID: 35069438). Functional studies suggested that this variant results in inefficient translocation of the mutant protein into endoplasmic reticulum (Yang et al. 2021. PubMed ID: 35069438). This variant is reported in 0.0033% of alleles in individuals of South Asian descent in gnomAD. This variant is interpreted as likely pathogenic.